The following is an entry in ClinVar:

NM_024642.5(GALNT12):c.1670A>G (p.Asp557Gly)

Gene: GALNT12 (polypeptide N-acetylgalactosaminyltransferase 12; plus strand). Cytogenetic location: 9q22.33.
Variant type: single nucleotide variant.
Coding change: c.1670A>G on transcript NM_024642.5 (MANE Select); coding-DNA position 1670, A replaced by G.
Protein change: p.Asp557Gly; replaces aspartic acid 557 with glycine.
Molecular consequence: missense variant.
Genome position (GRCh38, 1-based): chr9:98,849,016, A>G. VCF-style: chr9-98849016-A-G. GRCh37 (hg19) VCF-style: chr9-101611298-A-G.
Other names: short protein forms D557G.
Identifiers: ClinVar variation 4028013 (VCV004028013.1).

ClinVar aggregate classification (germline): Uncertain significance (1 of 4 stars; one submission).

Submission:

Ambry Genetics
Classification: Uncertain significance. Last evaluated: 2025-05-06. Review status: criteria provided, single submitter. Criteria: Ambry Variant Classification Scheme 2023. Collection method: clinical testing. Allele origin: germline.
Comment: The p.D557G variant (also known as c.1670A>G), located in coding exon 10 of the GALNT12 gene, results from an A to G substitution at nucleotide position 1670. The aspartic acid at codon 557 is replaced by glycine, an amino acid with similar properties. This amino acid position is conserved. In addition, this alteration is predicted to be tolerated by in silico analysis. Based on the available evidence, the clinical significance of this variant remains unclear.